The following is an entry in ClinVar:

ClinVar aggregate classification (germline): Uncertain significance (1 of 4 stars; one submission).

Conditions:
Congenital contractural arachnodactyly (CCA). Also called: BEALS SYNDROME; Beals-Hecht syndrome; Arthrogryposis, distal, type 9. Identifiers: Orphanet 115, MedGen C0220668, MONDO:0007363, OMIM 121050.

Allele frequency attached by ClinVar (database versions not stated): gnomAD exomes below 0.00001; gnomAD 0.00001; TOPMed 0.00001.
gnomAD v4.1: 4 of 1,613,928 alleles (0.00025%); highest among the groups gnomAD compares: Non-Finnish European, 0.00034%; no homozygotes.

Submission:

Labcorp Genetics (formerly Invitae), Labcorp
Classification: Uncertain significance for Congenital contractural arachnodactyly. Last evaluated: 2025-02-20. Review status: criteria provided, single submitter. Criteria: Invitae Variant Classification Sherloc (09022015). Collection method: clinical testing. Allele origin: germline.
Comment: This sequence change replaces glutamine, which is neutral and polar, with proline, which is neutral and non-polar, at codon 1927 of the FBN2 protein (p.Gln1927Pro). This variant is present in population databases (no rsID available, gnomAD 0.0009%). This missense change has been observed in individual(s) with thoracic aortic dissection or rupture (PMID: 37116669). ClinVar contains an entry for this variant (Variation ID: 2783738). Invitae Evidence Modeling of protein sequence and biophysical properties (such as structural, functional, and spatial information, amino acid conservation, physicochemical variation, residue mobility, and thermodynamic stability) indicates that this missense variant is not expected to disrupt FBN2 protein function with a negative predictive value of 80%. In summary, the available evidence is currently insufficient to determine the role of this variant in disease. Therefore, it has been classified as a Variant of Uncertain Significance.

Literature cited by the submitters: PubMed 37116669.

NM_001999.4(FBN2):c.5780A>C (p.Gln1927Pro)

Gene: FBN2 (fibrillin 2; minus strand). Cytogenetic location: 5q23.3.
Variant type: single nucleotide variant.
Coding change: c.5780A>C on transcript NM_001999.4 (MANE Select); coding-DNA position 5780, A replaced by C.
Protein change: p.Gln1927Pro; replaces glutamine 1927 with proline.
Molecular consequence: missense variant.
Genome position (GRCh38, 1-based): chr5:128,304,977, T>G on the plus strand (A>C on the coding strand, the complement: FBN2 is on the minus strand). VCF-style: chr5-128304977-T-G. GRCh37 (hg19) VCF-style: chr5-127640669-T-G.
Other names: short protein forms Q1927P.
Identifiers: ClinVar variation 2783738 (VCV002783738.3), dbSNP rs1199127115, ClinGen allele CA360739795.